The following is an entry in ClinVar:

NM_006846.4(SPINK5):c.2113-270C>T

Gene: SPINK5 (serine peptidase inhibitor Kazal type 5; plus strand). Cytogenetic location: 5q32.
Variant type: single nucleotide variant.
Coding change: c.2113-270C>T on transcript NM_006846.4 (MANE Select); 270 bases into the intron before coding-DNA position 2113, C replaced by T.
Molecular consequence: intron variant.
Genome position (GRCh38, 1-based): chr5:148,118,167, C>T. VCF-style: chr5-148118167-C-T. GRCh37 (hg19) VCF-style: chr5-147497730-C-T.
Other names: c.2113-270C>T (NM_001127698.2, NM_001127699.2).
Identifiers: ClinVar variation 667632 (VCV000667632.1), dbSNP rs3777137, ClinGen allele CA11984314.

ClinVar aggregate classification (germline): Benign (1 of 4 stars; one submission).

Allele frequency attached by ClinVar (database versions not stated): 1000 Genomes Project 30x 0.45128; 1000 Genomes Project 0.45347; TOPMed 0.50137; gnomAD 0.50847 and 0.51129.
gnomAD v4.1: 77,751 of 151,884 alleles (51%); highest among the groups gnomAD compares: Non-Finnish European, 63%; 22,040 homozygotes.

Submission:

GeneDx
Classification: Benign. Last evaluated: 2018-06-14. Review status: criteria provided, single submitter. Criteria: GeneDx Variant Classification (06012015). Collection method: clinical testing. Allele origin: germline. Affected: yes.
Comment: This variant is considered likely benign or benign based on one or more of the following criteria: it is a conservative change, it occurs at a poorly conserved position in the protein, it is predicted to be benign by multiple in silico algorithms, and/or has population frequency not consistent with disease.